The following is an entry in ClinVar:

NM_018127.7(ELAC2):c.1214del (p.Cys405fs)

Gene: ELAC2 (elaC ribonuclease Z 2; minus strand). Cytogenetic location: 17p12.
Variant type: Deletion.
Coding change: c.1214del on transcript NM_018127.7 (MANE Select); coding-DNA position 1214, one base deleted (G; older notation c.1214delG).
Protein change: p.Cys405fs; shifts the reading frame from cysteine 405.
Molecular consequence: frameshift variant.
Genome position (GRCh38, 1-based): chr17:13,002,445, C deleted on the plus strand (G on the coding strand, the reverse complement: ELAC2 is on the minus strand). VCF-style (leftmost placement, unchanged base first): chr17-13002444-AC-A. GRCh37 (hg19) VCF-style: chr17-12905761-AC-A.
Other names: c.1094del, p.Cys365fs (NM_001165962.2); c.1214del, p.Cys405fs (NM_173717.2); short protein forms C365fs, C405fs.
Identifiers: ClinVar variation 2988881 (VCV002988881.3), dbSNP rs1231150660, ClinGen allele CA625311252.

ClinVar aggregate classification (germline): Pathogenic (1 of 4 stars; one submission).

Conditions:
Combined oxidative phosphorylation defect type 17. Also called: Combined oxidative phosphorylation deficiency 17. Identifiers: Orphanet 369913, MedGen C3809526, MONDO:0014190, OMIM 615440.

Allele frequency attached by ClinVar (database versions not stated): gnomAD 0.00001; TOPMed 0.00001.

Submission:

Labcorp Genetics (formerly Invitae), Labcorp
Classification: Pathogenic for Combined oxidative phosphorylation defect type 17. Last evaluated: 2023-03-07. Review status: criteria provided, single submitter. Criteria: Invitae Variant Classification Sherloc (09022015). Collection method: clinical testing. Allele origin: germline.
Comment: This variant has not been reported in the literature in individuals affected with ELAC2-related conditions. For these reasons, this variant has been classified as Pathogenic. Algorithms developed to predict the effect of sequence changes on RNA splicing suggest that this variant may disrupt the consensus splice site. This variant is present in population databases (no rsID available, gnomAD 0.007%). This sequence change creates a premature translational stop signal (p.Cys405Leufs*43) in the ELAC2 gene. It is expected to result in an absent or disrupted protein product. Loss-of-function variants in ELAC2 are known to be pathogenic (PMID: 27769300, 31045291).

Literature cited by the submitters: PubMed 27769300; PubMed 31045291.